The following is an entry in ClinVar:

ClinVar aggregate classification (germline): Uncertain significance. Review status: criteria provided, multiple submitters, no conflicts (2 of 4 stars). 2 submissions from 2 submitters: Uncertain significance (2). Last evaluated 2022-08-19.

Conditions:
Singleton-Merten syndrome 1 (SGMRT1). Also called: Widened medullary cavities of bone, aortic calcification, abnormal dentition, and muscular weakness; Syndrome of widened medullary cavities of the metacarpals and phalanges, aortic calcification and abnormal dentition. Identifiers: Orphanet 85191, MedGen C4225427, MONDO:0024535, OMIM 182250.
Aicardi-Goutieres syndrome 7 (AGS7). Identifiers: Orphanet 51, MedGen C3888244, MONDO:0014367, OMIM 615846.
Inborn genetic diseases. Identifiers: MedGen C0950123, MeSH D030342.

Allele frequency attached by ClinVar (database versions not stated): gnomAD exomes 0.00001.
gnomAD v4.1: 8 of 1,611,982 alleles (0.0005%); highest among the groups gnomAD compares: Non-Finnish European, 0.00068%; no homozygotes.

Submissions (2):

Labcorp Genetics (formerly Invitae), Labcorp
Classification: Uncertain significance for Aicardi-Goutieres syndrome 7; Singleton-Merten syndrome 1. Last evaluated: 2022-08-19. Review status: criteria provided, single submitter. Criteria: Invitae Variant Classification Sherloc (09022015). Collection method: clinical testing. Allele origin: germline.
Comment: This sequence change replaces aspartic acid, which is acidic and polar, with tyrosine, which is neutral and polar, at codon 271 of the IFIH1 protein (p.Asp271Tyr). This variant is not present in population databases (gnomAD no frequency). This variant has not been reported in the literature in individuals affected with IFIH1-related conditions. ClinVar contains an entry for this variant (Variation ID: 1524138). Algorithms developed to predict the effect of missense changes on protein structure and function are either unavailable or do not agree on the potential impact of this missense change (SIFT: "Deleterious"; PolyPhen-2: "Possibly Damaging"; Align-GVGD: "Class C0"). In summary, the available evidence is currently insufficient to determine the role of this variant in disease. Therefore, it has been classified as a Variant of Uncertain Significance.

Ambry Genetics
Classification: Uncertain significance for Inborn genetic diseases. Last evaluated: 2021-02-25. Review status: criteria provided, single submitter. Criteria: Ambry Variant Classification Scheme 2023. Collection method: clinical testing. Allele origin: germline.

NM_022168.4(IFIH1):c.811G>T (p.Asp271Tyr)

Gene: IFIH1 (interferon induced with helicase C domain 1; minus strand). Cytogenetic location: 2q24.2.
Variant type: single nucleotide variant.
Coding change: c.811G>T on transcript NM_022168.4 (MANE Select); coding-DNA position 811, G replaced by T.
Protein change: p.Asp271Tyr; replaces aspartic acid 271 with tyrosine.
Molecular consequence: missense variant.
Genome position (GRCh38, 1-based): chr2:162,293,627, C>A on the plus strand (G>T on the coding strand, the complement: IFIH1 is on the minus strand). VCF-style: chr2-162293627-C-A. GRCh37 (hg19) VCF-style: chr2-163150137-C-A.
Other names: c.811G>T (NM_022168.2); short protein forms D271Y.
Identifiers: ClinVar variation 1524138 (VCV001524138.9), dbSNP rs544744271, ClinGen allele CA59677047.